The following is an entry in ClinVar:

NM_001429.4(EP300):c.6914A>G (p.Asn2305Ser)

Gene: EP300 (EP300 lysine acetyltransferase; plus strand). Cytogenetic location: 22q13.2.
Variant type: single nucleotide variant.
Coding change: c.6914A>G on transcript NM_001429.4 (MANE Select); coding-DNA position 6914, A replaced by G.
Protein change: p.Asn2305Ser; replaces asparagine 2305 with serine.
Molecular consequence: missense variant.
Genome position (GRCh38, 1-based): chr22:41,178,625, A>G. VCF-style: chr22-41178625-A-G. GRCh37 (hg19) VCF-style: chr22-41574629-A-G.
Other names: c.6836A>G, p.Asn2279Ser (NM_001362843.2); c.6914A>G (NM_001429.3); short protein forms N2305S, N2279S.
Identifiers: ClinVar variation 2737667 (VCV002737667.8), dbSNP rs769583219, ClinGen allele CA10253976.

ClinVar aggregate classification (germline): Conflicting classifications of pathogenicity. Review status: criteria provided, conflicting classifications (1 of 4 stars). 3 submissions from 3 submitters: Uncertain significance (1); Likely benign (2). Last evaluated 2026-03-01.

Conditions:
EP300-related disorder. Also called: EP300-related condition; EP300-related disorders.
Rubinstein-Taybi syndrome due to EP300 haploinsufficiency. Also called: EP300-Related Rubinstein-Taybi Syndrome; RUBINSTEIN-TAYBI SYNDROME 2. Identifiers: Orphanet 353284, Orphanet 783, MedGen C3150941, MONDO:0013364, OMIM 613684.

Allele frequency attached by ClinVar (database versions not stated): TOPMed below 0.00001; ExAC 0.00001; gnomAD exomes 0.00001.
gnomAD v4.1: 4 of 1,613,974 alleles (0.00025%); highest among the groups gnomAD compares: Admixed American, 0.0067%; no homozygotes.

Submissions (3):

CeGaT Center for Human Genetics Tuebingen
Classification: Likely benign. Last evaluated: 2026-03-01. Review status: criteria provided, single submitter. Criteria: CeGaT Center For Human Genetics Tuebingen Variant Classification Criteria Version 2. Collection method: clinical testing. Allele origin: germline. Affected: yes. Observed: 1 variant allele.
Comment: EP300: BP4

PreventionGenetics, part of Exact Sciences
Classification: Uncertain significance for EP300-related condition. Last evaluated: 2024-10-16. Review status: criteria provided, single submitter. Criteria: ACMG Guidelines, 2015. Collection method: clinical testing. Allele origin: germline.
Comment: The EP300 c.6914A>G variant is predicted to result in the amino acid substitution p.Asn2305Ser. To our knowledge, this variant has not been reported in the literature. This variant is reported in 0.012% of alleles in individuals of Latino descent in gnomAD, which is likely too common for an undocumented disease-causing variant. Although we suspect that this variant may be benign, at this time, the clinical significance of this variant is uncertain due to the absence of conclusive functional and genetic evidence.

Labcorp Genetics (formerly Invitae), Labcorp
Classification: Likely benign for Rubinstein-Taybi syndrome due to EP300 haploinsufficiency. Last evaluated: 2023-08-16. Review status: criteria provided, single submitter. Criteria: Invitae Variant Classification Sherloc (09022015). Collection method: clinical testing. Allele origin: germline.